The following is an entry in ClinVar:

ClinVar aggregate classification (germline): Uncertain significance (1 of 4 stars; one submission).

Submission:

Ambry Genetics
Classification: Uncertain significance. Last evaluated: 2024-01-20. Review status: criteria provided, single submitter. Criteria: Ambry Variant Classification Scheme 2023. Collection method: clinical testing. Allele origin: germline.
Comment: The p.P155L variant (also known as c.464C>T), located in coding exon 6 of the RAD54L gene, results from a C to T substitution at nucleotide position 464. The proline at codon 155 is replaced by leucine, an amino acid with similar properties. This amino acid position is conserved. In addition, this alteration is predicted to be deleterious by in silico analysis. Based on the available evidence, the clinical significance of this alteration remains unclear.

NM_003579.4(RAD54L):c.464C>T (p.Pro155Leu)

Gene: RAD54L (RAD54 like; plus strand). Cytogenetic location: 1p34.1.
Variant type: single nucleotide variant.
Coding change: c.464C>T on transcript NM_003579.4 (MANE Select); coding-DNA position 464, C replaced by T.
Protein change: p.Pro155Leu; replaces proline 155 with leucine.
Molecular consequence: missense variant. On other transcripts: 5 prime UTR variant (1).
Genome position (GRCh38, 1-based): chr1:46,260,598, C>T. VCF-style: chr1-46260598-C-T. GRCh37 (hg19) VCF-style: chr1-46726270-C-T.
Other names: c.464C>T, p.Pro155Leu (NM_001142548.2); c.-77C>T (NM_001370766.1); short protein forms P155L.
Identifiers: ClinVar variation 3223446 (VCV003223446.1), dbSNP rs2525667592, ClinGen allele CA340185071.